The following is an entry in ClinVar:

NM_152743.4(BRAT1):c.1770+12C>T

Gene: BRAT1 (BRCA1 associated ATM activator 1; minus strand). Cytogenetic location: 7p22.3.
Variant type: single nucleotide variant.
Coding change: c.1770+12C>T on transcript NM_152743.4 (MANE Select); 12 bases into the intron after coding-DNA position 1770, C replaced by T.
Molecular consequence: intron variant.
Genome position (GRCh38, 1-based): chr7:2,539,167, G>A on the plus strand (C>T on the coding strand, the complement: BRAT1 is on the minus strand). VCF-style: chr7-2539167-G-A. GRCh37 (hg19) VCF-style: chr7-2578801-G-A.
Other names: c.1245+12C>T (NM_001350627.2); c.1770+12C>T (NM_001350626.2).
Identifiers: ClinVar variation 1370498 (VCV001370498.6), dbSNP rs2128385821, ClinGen allele CA2573141996.

ClinVar aggregate classification (germline): Uncertain significance (1 of 4 stars; one submission).

Conditions:
Neonatal-onset encephalopathy with rigidity and seizures. Also called: Lethal neonatal spasticity-epileptic encephalopathy syndrome. Identifiers: Orphanet 435845, MedGen C3281029, MONDO:0013784, OMIM 614498.

Allele frequency attached by ClinVar (database versions not stated): gnomAD exomes below 0.00001.
gnomAD v4.1: 2 of 1,584,798 alleles (0.00013%); highest among the groups gnomAD compares: African/African-American, 0.0013%; no homozygotes.

Submission:

Labcorp Genetics (formerly Invitae), Labcorp
Classification: Uncertain significance for Neonatal-onset encephalopathy with rigidity and seizures. Last evaluated: 2021-07-28. Review status: criteria provided, single submitter. Criteria: Invitae Variant Classification Sherloc (09022015). Collection method: clinical testing. Allele origin: germline.
Comment: In summary, the available evidence is currently insufficient to determine the role of this variant in disease. Therefore, it has been classified as a Variant of Uncertain Significance. Algorithms developed to predict the effect of sequence changes on RNA splicing suggest that this variant may create or strengthen a splice site. This variant has not been reported in the literature in individuals affected with BRAT1-related conditions. This variant is not present in population databases (ExAC no frequency). This sequence change falls in intron 13 of the BRAT1 gene. It does not directly change the encoded amino acid sequence of the BRAT1 protein.